The following is an entry in ClinVar:

NM_144596.4(TTC8):c.1021C>T (p.Gln341Ter)

Gene: TTC8 (tetratricopeptide repeat domain 8; plus strand). Cytogenetic location: 14q31.3.
Variant type: single nucleotide variant.
Coding change: c.1021C>T on transcript NM_144596.4 (MANE Select); coding-DNA position 1021, C replaced by T.
Protein change: p.Gln341Ter; replaces glutamine 341 with a stop codon.
Molecular consequence: nonsense. On other transcripts: non-coding transcript variant (1).
Genome position (GRCh38, 1-based): chr14:88,870,170, C>T. VCF-style: chr14-88870170-C-T. GRCh37 (hg19) VCF-style: chr14-89336514-C-T.
Other names: c.1069C>T, p.Gln357Ter (NM_001288781.1); c.427C>T, p.Gln143Ter (NM_001288782.1); c.304C>T, p.Gln102Ter (NM_001288783.1); c.991C>T, p.Gln331Ter (NM_001366535.2, NM_198309.3); c.901C>T, p.Gln301Ter (NM_001366536.2, NM_198310.3); short protein forms Q102*, Q143*, Q301*, Q331*, Q341*, Q357*.
Identifiers: ClinVar variation 1075390 (VCV001075390.7), dbSNP rs2141033426, ClinGen allele CA390550009.

ClinVar aggregate classification (germline): Pathogenic (1 of 4 stars; one submission).

Conditions:
Bardet-Biedl syndrome (BBS). Identifiers: Orphanet 110, MedGen C0752166, MONDO:0015229.

Submission:

Labcorp Genetics (formerly Invitae), Labcorp
Classification: Pathogenic for Bardet-Biedl syndrome. Last evaluated: 2022-02-11. Review status: criteria provided, single submitter. Criteria: Invitae Variant Classification Sherloc (09022015). Collection method: clinical testing. Allele origin: germline.
Comment: This sequence change creates a premature translational stop signal (p.Gln331*) in the TTC8 gene. It is expected to result in an absent or disrupted protein product. Loss-of-function variants in TTC8 are known to be pathogenic (PMID: 16308660, 16877420, 19797195, 21052717, 30886724). This variant is not present in population databases (gnomAD no frequency). This variant has not been reported in the literature in individuals affected with TTC8-related conditions. ClinVar contains an entry for this variant (Variation ID: 1075390). For these reasons, this variant has been classified as Pathogenic.

Literature cited by the submitters: PubMed 16308660; PubMed 16877420; PubMed 19797195; PubMed 21052717; PubMed 30886724.